The following is an entry in ClinVar:

NM_001846.4(COL4A2):c.3499G>A (p.Gly1167Arg)

Gene: COL4A2 (collagen type IV alpha 2 chain; plus strand). Cytogenetic location: 13q34.
Variant type: single nucleotide variant.
Coding change: c.3499G>A on transcript NM_001846.4 (MANE Select); coding-DNA position 3499, G replaced by A.
Protein change: p.Gly1167Arg; replaces glycine 1167 with arginine.
Molecular consequence: missense variant.
Genome position (GRCh38, 1-based): chr13:110,492,114, G>A. VCF-style: chr13-110492114-G-A. GRCh37 (hg19) VCF-style: chr13-111144461-G-A.
Other names: short protein forms G1167R.
Identifiers: ClinVar variation 2121414 (VCV002121414.4), dbSNP rs2502182642, ClinGen allele CA388732317.

ClinVar aggregate classification (germline): Uncertain significance (1 of 4 stars; one submission).

Allele frequency attached by ClinVar (database versions not stated): gnomAD exomes below 0.00001.
gnomAD v4.1: 6 of 1,553,326 alleles (0.00039%); highest among the groups gnomAD compares: Non-Finnish European, 0.00052%; no homozygotes.

Submission:

Labcorp Genetics (formerly Invitae), Labcorp
Classification: Uncertain significance. Last evaluated: 2024-10-24. Review status: criteria provided, single submitter. Criteria: Invitae Variant Classification Sherloc (09022015). Collection method: clinical testing. Allele origin: germline.
Comment: This sequence change replaces glycine, which is neutral and non-polar, with arginine, which is basic and polar, at codon 1167 of the COL4A2 protein (p.Gly1167Arg). This variant is not present in population databases (gnomAD no frequency). This variant has not been reported in the literature in individuals affected with COL4A2-related conditions. ClinVar contains an entry for this variant (Variation ID: 2121414). Invitae Evidence Modeling of protein sequence and biophysical properties (such as structural, functional, and spatial information, amino acid conservation, physicochemical variation, residue mobility, and thermodynamic stability) has been performed for this missense variant. However, the output from this modeling did not meet the statistical confidence thresholds required to predict the impact of this variant on COL4A2 protein function. In summary, the available evidence is currently insufficient to determine the role of this variant in disease. Therefore, it has been classified as a Variant of Uncertain Significance.